The following is an entry in ClinVar:

NM_003106.4(SOX2):c.513C>G (p.Tyr171Ter)

Genes: SOX2 (SRY-box transcription factor 2; plus strand), SOX2-OT (SOX2 overlapping transcript; plus strand), LOC108281177 (SOX2 5' regulatory region; plus strand). Cytogenetic location: 3q26.33.
Variant type: single nucleotide variant.
Coding change: c.513C>G on transcript NM_003106.4 (MANE Select); coding-DNA position 513, C replaced by G.
Protein change: p.Tyr171Ter; replaces tyrosine 171 with a stop codon.
Molecular consequence: nonsense.
Genome position (GRCh38, 1-based): chr3:181,712,873, C>G. VCF-style: chr3-181712873-C-G. GRCh37 (hg19) VCF-style: chr3-181430661-C-G.
Other names: short protein forms Y171*.
Identifiers: ClinVar variation 1699551 (VCV001699551.3), dbSNP rs2108522679, ClinGen allele CA355474042.

ClinVar aggregate classification (germline): Pathogenic. Review status: criteria provided, multiple submitters, no conflicts (2 of 4 stars). 2 submissions from 2 submitters: Pathogenic (2). Last evaluated 2022-10-15.

Conditions:
Anophthalmia. Identifiers: MedGen C0003119, HP:0000528. Disease mechanism: loss of function. Inheritance: Mendelian inheritance.

Submissions (2):

Genetics Department, University Hospital of Toulouse
Classification: Pathogenic for Anophthalmia. Last evaluated: 2022-10-15. Review status: criteria provided, single submitter. Criteria: ACMG Guidelines, 2015. Collection method: clinical testing. Allele origin: germline. Affected: yes.
Comment: P (PSVS1, PS2, PM2)

GeneDx
Classification: Pathogenic. Last evaluated: 2022-02-15. Review status: criteria provided, single submitter. Criteria: GeneDx Variant Classification Process June 2021. Collection method: clinical testing. Allele origin: germline. Affected: yes.
Comment: Nonsense variant in the C-terminus predicted to result in protein truncation, as the last 147 amino acids are lost, and other loss-of-function variants have been reported downstream in HGMD; Not observed at significant frequency in large population cohorts (gnomAD); This variant is associated with the following publications: (PMID: 24033328)